The following is an entry in ClinVar:

NM_001127222.2(CACNA1A):c.5080G>A (p.Val1694Ile)

Gene: CACNA1A (calcium voltage-gated channel subunit alpha1 A; minus strand). Cytogenetic location: 19p13.13.
Variant type: single nucleotide variant.
Coding change: c.5080G>A on transcript NM_001127222.2 (MANE Select); coding-DNA position 5080, G replaced by A.
Protein change: p.Val1694Ile; replaces valine 1694 with isoleucine.
Molecular consequence: missense variant.
Genome position (GRCh38, 1-based): chr19:13,235,262, C>T on the plus strand (G>A on the coding strand, the complement: CACNA1A is on the minus strand). VCF-style: chr19-13235262-C-T. GRCh37 (hg19) VCF-style: chr19-13346076-C-T.
Other names: V1696I; c.5098G>A, p.Val1700Ile (NM_000068.4, NM_023035.3); c.5083G>A, p.Val1695Ile (NM_001127221.2); c.5089G>A, p.Val1697Ile (NM_001174080.2); short protein forms V1695I, V1694I, V1697I, V1700I.
Identifiers: ClinVar variation 68436 (VCV000068436.1), dbSNP rs121908224, ClinGen allele CA266062.
Genomic context (GRCh38, chr19:13,235,262, plus strand): 5'-CACTCACCTGCATCCCAATGATGGCATAGATGAAGAAGAGCATGGCGATCAGCAGACAGA[C>T]ATAAGGCAGGGCCTGGTGGGAAAAAAGGCAATGAAGAAGAGTGCTGGGGGTCCCTCAGCC-3'
Protein context (NP_001120694.1, residues 1684-1704): FVQSFKALPY[Val1694Ile]CLLIAMLFFI

ClinVar aggregate classification (germline): not provided (0 of 4 stars; one submission).

Conditions:
Migraine, familial hemiplegic, 1. Also called: MIGRAINE, FAMILIAL HEMIPLEGIC 1, WITH PROGRESSIVE CEREBELLAR ATAXIA. Identifiers: Orphanet 569, MedGen C1832884, MONDO:0020756, OMIM 141500, MONDO:0007714.

Submission:

UniProtKB/Swiss-Prot
No classification provided. Condition: Familial hemiplegic migraine type 1. Review status: no classification provided. Collection method: not provided. Allele origin: not provided.
Comment: Variant designated as V1696I in source PubMed 11439943